The following is an entry in ClinVar:

NM_001042492.3(NF1):c.3708+5G>A

Gene: NF1 (neurofibromin 1; plus strand). Cytogenetic location: 17q11.2.
Variant type: single nucleotide variant.
Coding change: c.3708+5G>A on transcript NM_001042492.3 (MANE Select); 5 bases into the intron after coding-DNA position 3708, G replaced by A.
Molecular consequence: intron variant.
Genome position (GRCh38, 1-based): chr17:31,233,218, G>A. VCF-style: chr17-31233218-G-A. GRCh37 (hg19) VCF-style: chr17-29560236-G-A.
Other names: c.3708+5G>A (NM_000267.4).
Identifiers: ClinVar variation 956531 (VCV000956531.11), dbSNP rs1597720280, ClinGen allele CA982966609.
Genomic context (GRCh38, chr17:31,233,218, plus strand): 5'-AAGGAGAACTCCCTATAGCGATGGCTCTGGCCAATGTGGTTCCTTGTTCTCAGTGGGTAA[G>A]TGATTAGAGTAAGCGGGGAAGAAAAGTGCCTGGCACATAGCAAATCCTTCAGAATATATT-3'

ClinVar aggregate classification (germline): Pathogenic/Likely pathogenic. Review status: criteria provided, multiple submitters, no conflicts (2 of 4 stars). 3 submissions from 3 submitters: Pathogenic (1); Likely pathogenic (2). Last evaluated 2026-04-16.

Conditions:
Cardiovascular phenotype. Identifiers: MedGen CN230736.
Hereditary cancer-predisposing syndrome. Also called: Hereditary Cancer Syndrome; Neoplastic Syndromes, Hereditary; Tumor predisposition; Hereditary neoplastic syndrome. Identifiers: Orphanet 140162, MedGen C0027672, MeSH D009386, MONDO:0015356.
Neurofibromatosis, type 1 (NF1). Also called: Peripheral type neurofibromatosis; VON RECKLINGHAUSEN DISEASE; Neurofibromatosis, type I; NEUROFIBROMATOSIS, TYPE I, SOMATIC. Identifiers: Orphanet 636, MedGen C0027831, MONDO:0018975, OMIM 162200. Disease mechanism: loss of function.

Submissions (3):

Ambry Genetics
Classification: Likely pathogenic for Cardiovascular phenotype; Hereditary cancer-predisposing syndrome. Last evaluated: 2026-04-16. Review status: criteria provided, single submitter. Criteria: Ambry Variant Classification Scheme 2023. Collection method: clinical testing. Allele origin: germline.
Comment: The c.3708+5G>A intronic variant results from a G to A substitution 5 nucleotides after coding exon 27 in the NF1 gene. This variant was reported in individual(s) with features consistent with neurofibromatosis type 1 (Assunto A et al. Orphanet J Rare Dis, 2019 Nov;14:261; external communications). This nucleotide position is highly conserved in available vertebrate species. In silico splice site analysis predicts that this alteration will weaken the native splice donor site; however, direct evidence is insufficient at this time (Ambry internal data). This variant is considered to be rare based on population cohorts in the Genome Aggregation Database (gnomAD). Based on the majority of available evidence to date, this variant is likely to be pathogenic.

Labcorp Genetics (formerly Invitae), Labcorp
Classification: Pathogenic for Neurofibromatosis, type 1. Last evaluated: 2025-09-19. Review status: criteria provided, single submitter. Criteria: Invitae Variant Classification Sherloc (09022015). Collection method: clinical testing. Allele origin: germline.
Comment: This sequence change falls in intron 27 of the NF1 gene. It does not directly change the encoded amino acid sequence of the NF1 protein. RNA analysis indicates that this variant induces altered splicing and may result in an absent or altered protein product. This variant is not present in population databases (gnomAD no frequency). This variant has been observed in individual(s) with clinical features of neurofibromatosis type 1 (PMID: 31730495; internal data). It has also been observed to segregate with disease in related individuals. Invitae Evidence Modeling of clinical and family history, age, sex, and reported ancestry of multiple individuals with this NF1 variant has been performed. This variant is expected to be pathogenic with a positive predictive value of at least 99%. This is a validated machine learning model that incorporates the clinical features of 1,785,918 individuals referred to our laboratory for NF1 testing. ClinVar contains an entry for this variant (Variation ID: 956531). Variants that disrupt the consensus splice site are a relatively common cause of aberrant splicing (PMID: 17576681, 9536098). Studies have shown that this variant results in activation of a cryptic splice site, and produces a non-functional protein and/or introduces a premature termination codon (internal data). For these reasons, this variant has been classified as Pathogenic.

GeneDx
Classification: Likely pathogenic. Last evaluated: 2022-02-24. Review status: criteria provided, single submitter. Criteria: GeneDx Variant Classification Process June 2021. Collection method: clinical testing. Allele origin: germline. Affected: yes.
Comment: Intronic +5 splice site variant in a gene for which loss-of-function is a known mechanism of disease, and splice predictors support a deleterious effect; Not observed at significant frequency in large population cohorts (gnomAD); Observed in an individual with neurofibromatosis type 1 in published literature (Assunto 2019); Also known as IVS21+5G>A; This variant is associated with the following publications: (PMID: 31730495)

Literature cited by the submitters: PubMed 31730495 (cited by Ambry Genetics and Labcorp Genetics (formerly Invitae), Labcorp); PubMed 17576681 (cited by Labcorp Genetics (formerly Invitae), Labcorp); PubMed 9536098 (cited by Labcorp Genetics (formerly Invitae), Labcorp).